The following is an entry in ClinVar:

NC_000016.9:g.(?_70512155)_(70513583_?)del

Gene: FCSK (fucose kinase; plus strand). Cytogenetic location: 16q22.1.
Variant type: Deletion.
Identifiers: ClinVar variation 1682044 (VCV001682044.5).

ClinVar aggregate classification (germline): Uncertain significance (1 of 4 stars; one submission).

Submission:

Labcorp Genetics (formerly Invitae), Labcorp
Classification: Uncertain significance. Last evaluated: 2022-08-09. Review status: criteria provided, single submitter. Criteria: Invitae Variant Classification Sherloc (09022015). Collection method: clinical testing. Allele origin: germline.
Comment: In summary, the available evidence is currently insufficient to determine the role of this variant in disease. Therefore, it has been classified as a Variant of Uncertain Significance. This variant has not been reported in the literature in individuals affected with FUK-related conditions. This variant is a gross deletion of the genomic region encompassing exon(s) 21-24 of the FUK gene, which includes the termination codon. This deletion extends beyond the assayed region for this gene and therefore may encompass additional genes. While this deletion is not anticipated to lead to nonsense mediated decay, it is expected to alter mRNA translation or result in a truncated protein product.